The following is an entry in ClinVar:

NM_001377.3(DYNC2H1):c.1355_1358del (p.Ile452fs)

Gene: DYNC2H1 (dynein cytoplasmic 2 heavy chain 1; plus strand). Cytogenetic location: 11q22.3.
Variant type: Deletion.
Coding change: c.1355_1358del on transcript NM_001377.3 (MANE Select); coding-DNA positions 1355 to 1358, 4 bases deleted (TTAA; older notation c.1355_1358delTTAA).
Protein change: p.Ile452fs; shifts the reading frame from isoleucine 452.
Molecular consequence: frameshift variant.
Genome position (GRCh38, 1-based): chr11:103,121,031-103,121,034, TTAA deleted; deleting any 4 consecutive bases within chr11:103,121,029-103,121,034 gives the same sequence; the c. name uses the placement nearest the transcript's 3' end. VCF-style (leftmost placement, unchanged base first): chr11-103121028-CAATT-C. GRCh37 (hg19) VCF-style: chr11-102991757-CAATT-C.
Other names: c.1355_1358del, p.Ile452fs (NM_001080463.2); short protein forms I452fs.
Identifiers: ClinVar variation 459277 (VCV000459277.7), dbSNP rs1223907858, ClinGen allele CA601669958.

ClinVar aggregate classification (germline): Pathogenic/Likely pathogenic. Review status: criteria provided, multiple submitters, no conflicts (2 of 4 stars). 2 submissions from 2 submitters: Pathogenic (1); Likely pathogenic (1). Last evaluated 2024-06-07.

Conditions:
Asphyxiating thoracic dystrophy 3. Also called: SHORT-RIB THORACIC DYSPLASIA 3 WITH OR WITHOUT POLYDACTYLY; POLYDACTYLY WITH NEONATAL CHONDRODYSTROPHY, TYPE I; Short rib polydactyly syndrome 2B; Saldino-Noonan Syndrome; SHORT-RIB THORACIC DYSPLASIA 3/6 WITH POLYDACTYLY, DIGENIC. Identifiers: Orphanet 474, Orphanet 93269, Orphanet 93270, Orphanet 93271, MedGen C0036069, MONDO:0013127, OMIM 613091.
Jeune thoracic dystrophy. Also called: Jeune syndrome; Infantile thoracic dystrophy; Thoracic pelvic phalangeal dystrophy; Jeune's syndrome; Chondroectodermal dysplasia-like syndrome; Short-rib thoracic dysplasia. Identifiers: Orphanet 474, MedGen C0265275, MONDO:0018770.

Submissions (2):

Fulgent Genetics
Classification: Likely pathogenic for Asphyxiating thoracic dystrophy 3. Last evaluated: 2024-06-07. Review status: criteria provided, single submitter. Criteria: ACMG Guidelines, 2015. Collection method: clinical testing. Allele origin: germline.

Labcorp Genetics (formerly Invitae), Labcorp
Classification: Pathogenic for Jeune thoracic dystrophy. Last evaluated: 2023-04-22. Review status: criteria provided, single submitter. Criteria: Invitae Variant Classification Sherloc (09022015). Collection method: clinical testing. Allele origin: germline.
Comment: For these reasons, this variant has been classified as Pathogenic. ClinVar contains an entry for this variant (Variation ID: 459277). This variant has not been reported in the literature in individuals affected with DYNC2H1-related conditions. This variant is present in population databases (no rsID available, gnomAD 0.01%). This sequence change creates a premature translational stop signal (p.Ile452Lysfs*5) in the DYNC2H1 gene. It is expected to result in an absent or disrupted protein product. Loss-of-function variants in DYNC2H1 are known to be pathogenic (PMID: 23339108, 32753734).

Literature cited by the submitters: PubMed 23339108 (cited by Labcorp Genetics (formerly Invitae), Labcorp); PubMed 32753734 (cited by Labcorp Genetics (formerly Invitae), Labcorp).